The following is an entry in ClinVar:

ClinVar aggregate classification (germline): Conflicting classifications of pathogenicity. Review status: criteria provided, conflicting classifications (1 of 4 stars). 13 submissions from 13 submitters: Uncertain significance (10); Likely benign (1). 2 of the submissions do not count toward it. Last evaluated 2025-06-11.

Conditions:
Wilson disease (WND). Also called: Wilson's disease. Identifiers: Orphanet 905, MedGen C0019202, MONDO:0010200, OMIM 277900. Disease mechanism: loss of function.

Allele frequency attached by ClinVar (database versions not stated): gnomAD exomes 0.00009; TOPMed 0.00019; ExAC 0.00012; gnomAD 0.00014; 1000 Genomes Project 30x 0.00031; ESP Exome Variant Server 0.00032; 1000 Genomes Project 0.00040.
gnomAD v4.1: 156 of 1,614,160 alleles (0.0097%); highest among the groups gnomAD compares: Admixed American, 0.017%; no homozygotes.

Submissions (13):

Color Diagnostics, LLC DBA Color Health
Classification: Uncertain significance for Wilson disease. Last evaluated: 2025-06-11. Review status: criteria provided, single submitter. Criteria: ACMG Guidelines, 2015. Collection method: clinical testing. Allele origin: germline.
Comment: This missense variant replaces glutamic acid with lysine at codon 541 of the ATP7B protein. Computational prediction suggests that this variant may not impact protein structure and function. To our knowledge, functional studies have not been reported for this variant. This variant has been reported in individuals affected with Wilson disease (PMID: 23518715, 30097039). This variant has been identified in 27/280880 chromosomes in the general population by the Genome Aggregation Database (gnomAD). The available evidence is insufficient to determine the role of this variant in disease conclusively. Therefore, this variant is classified as a Variant of Uncertain Significance.

Women's Health and Genetics/Laboratory Corporation of America, LabCorp
Classification: Uncertain significance. Last evaluated: 2024-12-17. Review status: criteria provided, single submitter. Criteria: LabCorp Variant Classification Summary - May 2015. Collection method: clinical testing. Allele origin: germline.
Comment: Variant summary: ATP7B c.1621G>A (p.Glu541Lys) results in a conservative amino acid change located in the Heavy metal-associated domain (IPR006121) of the encoded protein sequence. Five of five in-silico tools predict a benign effect of the variant on protein function. The variant allele was found at a frequency of 0.0001 in 252882 control chromosomes. This frequency is not significantly higher than estimated for a pathogenic variant in ATP7B causing Wilson Disease (0.0001 vs 0.0054), allowing no conclusion about variant significance. c.1621G>A has been reported in the literature in at least one individual affected with Wilson Disease who was recorded in the Wilson Disease Mutation Database, which has been subsequently cited by others (e.g. Kenney_2007, Coffey_2013, Collet_2018). This report does not provide unequivocal conclusions about association of the variant with Wilson Disease. At least one publication reports experimental evidence evaluating an impact on protein function and found that the variant had no effect on the binding of ATP7B to COMMD1, however, this does not allow convincing conclusions about the overall variant effect (de Bie_2007). The following publications have been ascertained in the context of this evaluation (PMID: 23518715, 30097039, 17919502, 17680703). ClinVar contains an entry for this variant (Variation ID: 92386). Based on the evidence outlined above, the variant was classified as uncertain significance.

GeneDx
Classification: Uncertain significance. Last evaluated: 2024-12-09. Review status: criteria provided, single submitter. Criteria: GeneDx Variant Classification Process June 2021. Collection method: clinical testing. Allele origin: germline. Affected: yes.
Comment: Published functional studies suggest no damaging effect: immunoprecipitation assay of cells transfected with E541K demonstrate similar results to wildtype (PMID: 17919502); Reported previously in association with Wilson disease (PMID: 23235335); In silico analysis indicates that this missense variant does not alter protein structure/function; This variant is associated with the following publications: (PMID: 23518715, 24253677, 29063292, 23235335, 17919502, 30097039, 30426382, 29473088, 39502306)

All of Us Research Program, National Institutes of Health
Classification: Uncertain significance for Wilson disease. Last evaluated: 2024-09-23. Review status: criteria provided, single submitter. Criteria: ACMG Guidelines, 2015. Collection method: clinical testing. Allele origin: germline. Inheritance: Autosomal recessive inheritance. Observed: 50 variant alleles, 50 heterozygotes.
Comment: This missense variant replaces glutamic acid with lysine at codon 541 of the ATP7B protein. Computational prediction suggests that this variant may not impact protein structure and function (internally defined REVEL score threshold <= 0.5, PMID: 27666373). To our knowledge, functional studies have not been reported for this variant. This variant has been reported in an individual affected with Wilson disease (PMID: 23518715). This variant has been identified in 27/280880 chromosomes in the general population by the Genome Aggregation Database (gnomAD). The available evidence is insufficient to determine the role of this variant in disease conclusively. Therefore, this variant is classified as a Variant of Uncertain Significance.

This study involves interpretation of variants in research participants for the purpose of population health screening. Participant phenotype was not available at the time of variant classification. Additional details can be found in publication PMID: 35346344, PMCID: PMC8962531

Fulgent Genetics
Classification: Uncertain significance for Wilson disease. Last evaluated: 2024-03-22. Review status: criteria provided, single submitter. Criteria: ACMG Guidelines, 2015. Collection method: clinical testing. Allele origin: germline.

Mayo Clinic Laboratories, Mayo Clinic
Classification: Uncertain significance. Last evaluated: 2023-03-20. Review status: criteria provided, single submitter. Criteria: ACMG Guidelines, 2015. Collection method: clinical testing. Allele origin: germline. Observed: 1 variant allele.
Comment: PM2

Labcorp Genetics (formerly Invitae), Labcorp
Classification: Uncertain significance for Wilson disease. Last evaluated: 2022-10-31. Review status: criteria provided, single submitter. Criteria: Invitae Variant Classification Sherloc (09022015). Collection method: clinical testing. Allele origin: germline.
Comment: This sequence change replaces glutamic acid, which is acidic and polar, with lysine, which is basic and polar, at codon 541 of the ATP7B protein (p.Glu541Lys). This variant is present in population databases (rs187046823, gnomAD 0.02%). This missense change has been observed in individual(s) with Wilson disease (PMID: 23235335). ClinVar contains an entry for this variant (Variation ID: 92386). Advanced modeling of protein sequence and biophysical properties (such as structural, functional, and spatial information, amino acid conservation, physicochemical variation, residue mobility, and thermodynamic stability) performed at Invitae indicates that this missense variant is not expected to disrupt ATP7B protein function. Experimental studies have shown that this missense change does not substantially affect ATP7B function (PMID: 17919502). In summary, the available evidence is currently insufficient to determine the role of this variant in disease. Therefore, it has been classified as a Variant of Uncertain Significance.

Genome-Nilou Lab
Classification: Uncertain significance for Wilson disease. Last evaluated: 2021-09-05. Review status: criteria provided, single submitter. Criteria: ACMG Guidelines, 2015. Collection method: clinical testing. Allele origin: germline. Affected: no.

Laboratory for Molecular Medicine, Mass General Brigham Personalized Medicine
Classification: Likely benign. Last evaluated: 2020-06-11. Review status: criteria provided, single submitter. Criteria: ACMG Guidelines, 2015. Collection method: clinical testing. Allele origin: germline.
Comment: This variant was reported in at least two individuals with Wilson disease, however a second variant was not reported (Coffey 2013, Collet 2018). Variant is present in 0.01% (21/12624) of European chromosomes by gnomAD. It is listed in ClinVar as Uncertain Significance by 4 clinical laboratories (Variation ID 92386). Three mammals harbor a Lysine (Lys) at this amino acid position. For this reason, the variant is classified as likely benign. ACMG/AMP Criteria applied: BP4_Strong.

CeGaT Center for Human Genetics Tuebingen
Classification: Uncertain significance. Last evaluated: 2019-05-01. Review status: criteria provided, single submitter. Criteria: CeGaT Center For Human Genetics Tuebingen Variant Classification Criteria Version 2. Collection method: clinical testing. Allele origin: germline. Affected: yes. Observed: 3 variant alleles.

Eurofins Ntd Llc (ga)
Classification: Uncertain significance. Last evaluated: 2013-01-28. Review status: criteria provided, single submitter. Criteria: EGL Classification Definitions 2015. Collection method: clinical testing. Allele origin: germline. Observed: 1 variant allele, 1 heterozygote.

Natera, Inc.
Classification: Uncertain significance for Wilson disease. Last evaluated: 2020-09-16. Review status: no assertion criteria provided. Collection method: clinical testing. Allele origin: germline. Not counted in ClinVar's aggregate classification.

Counsyl
Classification: Uncertain significance for Wilson disease. Last evaluated: 2017-11-15. Review status: no assertion criteria provided. Collection method: clinical testing. Allele origin: unknown. Not counted in ClinVar's aggregate classification.

Literature cited by the submitters: PubMed 23518715 (cited by 6 submitters); PubMed 30097039 (cited by 4 submitters); PubMed 17919502 (cited by 4 submitters); PubMed 17680703 (cited by Women's Health and Genetics/Laboratory Corporation of America, LabCorp); PubMed 29063292 (cited by Mayo Clinic Laboratories, Mayo Clinic); PubMed 23235335 (cited by Labcorp Genetics (formerly Invitae), Labcorp and Laboratory for Molecular Medicine, Mass General Brigham Personalized Medicine); PubMed 30426382 (cited by Laboratory for Molecular Medicine, Mass General Brigham Personalized Medicine).

NM_000053.4(ATP7B):c.1621G>A (p.Glu541Lys)

Gene: ATP7B (ATPase copper transporting beta; minus strand). Cytogenetic location: 13q14.3.
Variant type: single nucleotide variant.
Coding change: c.1621G>A on transcript NM_000053.4 (MANE Select); coding-DNA position 1621, G replaced by A.
Protein change: p.Glu541Lys; replaces glutamic acid 541 with lysine.
Molecular consequence: missense variant.
Genome position (GRCh38, 1-based): chr13:51,968,530, C>T on the plus strand (G>A on the coding strand, the complement: ATP7B is on the minus strand). VCF-style: chr13-51968530-C-T. GRCh37 (hg19) VCF-style: chr13-52542666-C-T.
Other names: c.1621G>A, p.Glu541Lys (NM_001005918.3, NM_001330578.2, NM_001330579.2); c.1288G>A, p.Glu430Lys (NM_001243182.2); short protein forms E541K, E430K.
Identifiers: ClinVar variation 92386 (VCV000092386.57), dbSNP rs187046823, ClinGen allele CA220306.